The following is an entry in ClinVar:

ClinVar aggregate classification (germline): Conflicting classifications of pathogenicity. Review status: criteria provided, conflicting classifications (1 of 4 stars). 4 submissions from 4 submitters: Uncertain significance (1); Benign (2); Likely benign (1). Last evaluated 2026-01-28.

Conditions:
Junctional epidermolysis bullosa with pyloric atresia. Also called: APLASIA CUTIS CONGENITA WITH GASTROINTESTINAL ATRESIA; Epidermolysis bullosa, junctional, with pyloric atresia and aplasia cutis congenita; Epidermolysis bullosa junctionalis with pyloric atresia; EPIDERMOLYSIS BULLOSA, JUNCTIONAL 5B, WITH PYLORIC ATRESIA; ITGB4-Related Epidermolysis Bullosa with Pyloric Atresia; Junctional Epidermolysis Bullosa- Pyloric Atresia Syndrome. Identifiers: Orphanet 79403, MedGen C5676875, MONDO:0009183, OMIM 226730.

Allele frequency attached by ClinVar (database versions not stated): ExAC 0.00105; gnomAD 0.00252 and 0.00272; TOPMed 0.00285; ESP Exome Variant Server 0.00331; 1000 Genomes Project 0.00359; 1000 Genomes Project 30x 0.00437.
gnomAD v4.1: 754 of 1,613,428 alleles (0.047%); highest among the groups gnomAD compares: African/African-American, 0.87%; 3 homozygotes.

Submissions (4):

Labcorp Genetics (formerly Invitae), Labcorp
Classification: Benign. Last evaluated: 2026-01-28. Review status: criteria provided, single submitter. Criteria: Invitae Variant Classification Sherloc (09022015). Collection method: clinical testing. Allele origin: germline.

CeGaT Center for Human Genetics Tuebingen
Classification: Likely benign. Last evaluated: 2022-05-01. Review status: criteria provided, single submitter. Criteria: CeGaT Center For Human Genetics Tuebingen Variant Classification Criteria Version 2. Collection method: clinical testing. Allele origin: germline. Affected: yes. Observed: 1 variant allele.
Comment: ITGB4: BS1

GeneDx
Classification: Uncertain significance. Last evaluated: 2021-06-03. Review status: criteria provided, single submitter. Criteria: GeneDx Variant Classification Process June 2021. Collection method: clinical testing. Allele origin: germline. Affected: yes.
Comment: In silico analysis supports that this missense variant does not alter protein structure/function; Has not been previously published as pathogenic or benign to our knowledge; This variant is associated with the following publications: (PMID: 27535533, 26582918)

Illumina Laboratory Services, Illumina
Classification: Benign for Junctional epidermolysis bullosa with pyloric atresia. Last evaluated: 2018-01-13. Review status: criteria provided, single submitter. Criteria: ICSL Variant Classification Criteria 13 December 2019. Collection method: clinical testing. Allele origin: germline.
Comment: This variant was observed in the ICSL laboratory as part of a predisposition screen in an ostensibly healthy population. It had not been previously curated by ICSL or reported in the Human Gene Mutation Database (HGMD: prior to June 1st, 2018), and was therefore a candidate for classification through an automated scoring system. Utilizing variant allele frequency, disease prevalence and penetrance estimates, and inheritance mode, an automated score was calculated to assess if this variant is too frequent to cause the disease. Based on the score and internal cut-off values, a variant classified as benign is not then subjected to further curation. The score for this variant resulted in a classification of benign for this disease.

NM_000213.5(ITGB4):c.2701C>T (p.Leu901Phe)

Gene: ITGB4 (integrin subunit beta 4; plus strand). Cytogenetic location: 17q25.1.
Variant type: single nucleotide variant.
Coding change: c.2701C>T on transcript NM_000213.5 (MANE Select); coding-DNA position 2701, C replaced by T.
Protein change: p.Leu901Phe; replaces leucine 901 with phenylalanine.
Molecular consequence: missense variant.
Genome position (GRCh38, 1-based): chr17:75,742,408, C>T. VCF-style: chr17-75742408-C-T. GRCh37 (hg19) VCF-style: chr17-73738489-C-T.
Other names: c.2701C>T, p.Leu901Phe (NM_001005619.2, NM_001005731.3, NM_001321123.2); short protein forms L901F.
Identifiers: ClinVar variation 891107 (VCV000891107.40), dbSNP rs145644205, ClinGen allele CA8769556.